The following is an entry in ClinVar:

ClinVar aggregate classification (germline): Likely pathogenic. Review status: criteria provided, multiple submitters, no conflicts (2 of 4 stars). 2 submissions from 2 submitters: Likely pathogenic (2). Last evaluated 2026-08-24.

Conditions:
ABCC2-related disorder. Also called: ABCC2-related condition.

Allele frequency attached by ClinVar (database versions not stated): gnomAD exomes below 0.00001; gnomAD 0.00001.
gnomAD v4.1: 3 of 1,613,896 alleles (0.00019%); highest among the groups gnomAD compares: Admixed American, 0.005%; no homozygotes.

Submissions (2):

PreventionGenetics, part of Exact Sciences
Classification: Likely pathogenic for ABCC2-related condition. Last evaluated: 2026-08-24. Review status: criteria provided, single submitter. Criteria: ACMG Guidelines, 2015. Collection method: clinical testing. Allele origin: germline.
Comment: The ABCC2 c.33+2T>C variant is predicted to disrupt the GT donor site and interfere with normal splicing. To our knowledge, this variant has not been reported in the literature. This variant is reported in 0.0058% of alleles in individuals of Latino descent in gnomAD. Variants that disrupt the consensus splice donor site in ABCC2 are expected to be pathogenic. This variant is interpreted as likely pathogenic.

Labcorp Genetics (formerly Invitae), Labcorp
Classification: Likely pathogenic. Last evaluated: 2023-10-04. Review status: criteria provided, single submitter. Criteria: Invitae Variant Classification Sherloc (09022015). Collection method: clinical testing. Allele origin: germline.
Comment: This sequence change affects a donor splice site in intron 1 of the ABCC2 gene. It is expected to disrupt RNA splicing. Variants that disrupt the donor or acceptor splice site typically lead to a loss of protein function (PMID: 16199547), and loss-of-function variants in ABCC2 are known to be pathogenic (PMID: 9185779, 16549534, 16952291). This variant is present in population databases (no rsID available, gnomAD 0.006%). This variant has not been reported in the literature in individuals affected with ABCC2-related conditions. Algorithms developed to predict the effect of sequence changes on RNA splicing suggest that this variant may disrupt the consensus splice site. In summary, the currently available evidence indicates that the variant is pathogenic, but additional data are needed to prove that conclusively. Therefore, this variant has been classified as Likely Pathogenic.

Literature cited by the submitters: PubMed 16199547 (cited by Labcorp Genetics (formerly Invitae), Labcorp); PubMed 9185779 (cited by Labcorp Genetics (formerly Invitae), Labcorp); PubMed 16549534 (cited by Labcorp Genetics (formerly Invitae), Labcorp); PubMed 16952291 (cited by Labcorp Genetics (formerly Invitae), Labcorp).

NM_000392.5(ABCC2):c.33+2T>C

Gene: ABCC2 (ATP binding cassette subfamily C member 2; plus strand). Cytogenetic location: 10q24.2.
Variant type: single nucleotide variant.
Coding change: c.33+2T>C on transcript NM_000392.5 (MANE Select); the canonical splice donor site of the intron after coding-DNA position 33, T replaced by C.
Molecular consequence: splice donor variant.
Genome position (GRCh38, 1-based): chr10:99,782,879, T>C. VCF-style: chr10-99782879-T-C. GRCh37 (hg19) VCF-style: chr10-101542636-T-C.
Identifiers: ClinVar variation 2999169 (VCV002999169.5), dbSNP rs1407889404, ClinGen allele CA378100171.